The following is an entry in ClinVar:

ClinVar aggregate classification (germline): Pathogenic (1 of 4 stars; one submission).

Conditions:
Autosomal recessive nonsyndromic hearing loss 16. Also called: DEAFNESS, AUTOSOMAL RECESSIVE 16; DFNB16 Nonsyndromic Hearing Loss and Deafness. Identifiers: Orphanet 90636, MedGen C1863561, MONDO:0011364, OMIM 603720.

Submission:

Research Group Niklas Dahl, Uppsala University
Classification: Pathogenic for Autosomal recessive nonsyndromic hearing loss 16. Last evaluated: 2018-08-06. Review status: criteria provided, single submitter. Criteria: ACMG Guidelines, 2015. Collection method: research. Allele origin: inherited. Inheritance: Autosomal recessive inheritance. Affected: yes. Observed: 1 variant allele, 1 compound heterozygote.
Comment: We identified a family segregating a homozygous STRC stop variant [c.4027C>T, p.(Q1343*)] identified by exome sequencing in two siblings with childhood onset of episodic vertigo.

NC_000015.9:g.(43886857_43888004)_(43984930_43992627)del

Genes: CATSPER2 (cation channel sperm associated 2; minus strand), CKMT1A (creatine kinase, mitochondrial 1A; plus strand), CKMT1B (creatine kinase, mitochondrial 1B; plus strand), STRC (stereocilin; minus strand), LOC130056948 (ATAC-STARR-seq lymphoblastoid active region 9316; plus strand) and 1 more. Cytogenetic location: 15q15.3.
Variant type: Deletion.
Identifiers: ClinVar variation 562140 (VCV000562140.3).